The following is an entry in ClinVar:

NM_020987.5(ANK3):c.6483C>T (p.Val2161=)

Gene: ANK3 (ankyrin 3; minus strand). Cytogenetic location: 10q21.2.
Variant type: single nucleotide variant.
Coding change: c.6483C>T on transcript NM_020987.5 (MANE Select); coding-DNA position 6483, C replaced by T.
Protein change: p.Val2161=; no amino-acid change (valine 2161 retained).
Molecular consequence: synonymous variant. On other transcripts: intron variant (4).
Genome position (GRCh38, 1-based): chr10:60,074,398, G>A on the plus strand (C>T on the coding strand, the complement: ANK3 is on the minus strand). VCF-style: chr10-60074398-G-A. GRCh37 (hg19) VCF-style: chr10-61834156-G-A.
Other names: c.4387+6139C>T (NM_001204403.2); c.4408+6139C>T (NM_001204404.2); c.4405+6139C>T (NM_001320874.2); c.1807+6139C>T (NM_001149.4).
Identifiers: ClinVar variation 1170362 (VCV001170362.33), dbSNP rs3134609, ClinGen allele CA5511878.
Genomic context (GRCh38, chr10:60,074,398, plus strand): 5'-CCCAGCTGAGGGATCATAGCTCCTGATAACATGAACCACTTCAGTTCTTGTTTCTGTAAT[G>A]ACAGGAGGGATGGGAACTTCATGAAAAAGTGGTTTAGGACCAGTGCTTTCAGCGCTTTGT-3'
Protein context (NP_066267.2, residues 2151-2171): PLFHEVPIPP[Val2161=]ITETRTEVVH

ClinVar aggregate classification (germline): Benign. Review status: criteria provided, multiple submitters, no conflicts (2 of 4 stars). 3 submissions from 3 submitters: Benign (3). Last evaluated 2026-08-01.

Allele frequency attached by ClinVar (database versions not stated): 1000 Genomes Project 30x 0.00531; 1000 Genomes Project 0.00539; gnomAD 0.00772 and 0.00791; TOPMed 0.00802; gnomAD exomes 0.00906 and 0.01281; ExAC 0.01017; ESP Exome Variant Server 0.01030.
gnomAD v4.1: 19,661 of 1,614,040 alleles (1.2%); highest among the groups gnomAD compares: Non-Finnish European, 1.5%; 194 homozygotes.

Submissions (3):

CeGaT Center for Human Genetics Tuebingen
Classification: Benign. Last evaluated: 2026-08-01. Review status: criteria provided, single submitter. Criteria: CeGaT Center For Human Genetics Tuebingen Variant Classification Criteria Version 2. Collection method: clinical testing. Allele origin: germline. Affected: yes. Observed: 58 variant alleles.
Comment: ANK3: BP4, BS1, BS2

Labcorp Genetics (formerly Invitae), Labcorp
Classification: Benign. Last evaluated: 2026-01-22. Review status: criteria provided, single submitter. Criteria: Invitae Variant Classification Sherloc (09022015). Collection method: clinical testing. Allele origin: germline.

Breakthrough Genomics
Classification: Benign. Review status: criteria provided, single submitter. Criteria: ACMG Guidelines, 2015. Collection method: not provided. Allele origin: germline. Inheritance: Autosomal recessive inheritance. Affected: yes.